The following is an entry in ClinVar:

NM_003153.5(STAT6):c.1692C>T (p.Ser564=)

Gene: STAT6 (signal transducer and activator of transcription 6; minus strand). Cytogenetic location: 12q13.3.
Variant type: single nucleotide variant.
Coding change: c.1692C>T on transcript NM_003153.5 (MANE Select); coding-DNA position 1692, C replaced by T.
Protein change: p.Ser564=; no amino-acid change (serine 564 retained).
Molecular consequence: synonymous variant. On other transcripts: non-coding transcript variant (1).
Genome position (GRCh38, 1-based): chr12:57,099,819, G>A on the plus strand (C>T on the coding strand, the complement: STAT6 is on the minus strand). VCF-style: chr12-57099819-G-A. GRCh37 (hg19) VCF-style: chr12-57493602-G-A.
Other names: c.1692C>T, p.Ser564= (NM_001178078.2, NM_001178079.2); c.1362C>T, p.Ser454= (NM_001178080.2, NM_001178081.2).
Identifiers: ClinVar variation 719355 (VCV000719355.27), dbSNP rs35182390, ClinGen allele CA6641620.

ClinVar aggregate classification (germline): Benign/Likely benign. Review status: criteria provided, multiple submitters, no conflicts (2 of 4 stars). 2 submissions from 2 submitters: Benign (1); Likely benign (1). Last evaluated 2025-07-01.

Allele frequency attached by ClinVar (database versions not stated): TOPMed 0.00292; ESP Exome Variant Server 0.00323; gnomAD 0.00439 and 0.00433; gnomAD exomes 0.00462 and 0.00482; ExAC 0.00470; 1000 Genomes Project 0.00419; 1000 Genomes Project 30x 0.00422.
gnomAD v4.1: 7,327 of 1,614,198 alleles (0.45%); highest among the groups gnomAD compares: East Asian, 0.83%; 40 homozygotes.

Submissions (2):

CeGaT Center for Human Genetics Tuebingen
Classification: Likely benign. Last evaluated: 2025-07-01. Review status: criteria provided, single submitter. Criteria: CeGaT Center For Human Genetics Tuebingen Variant Classification Criteria Version 2. Collection method: clinical testing. Allele origin: germline. Affected: yes. Observed: 5 variant alleles.
Comment: STAT6: BP4, BP7, BS2

Labcorp Genetics (formerly Invitae), Labcorp
Classification: Benign. Last evaluated: 2018-07-25. Review status: criteria provided, single submitter. Criteria: Invitae Variant Classification Sherloc (09022015). Collection method: clinical testing. Allele origin: germline.